The following is an entry in ClinVar:

NM_173500.4(TTBK2):c.-250G>C

Gene: TTBK2 (tau tubulin kinase 2; minus strand). Cytogenetic location: 15q15.2.
Variant type: single nucleotide variant.
Coding change: c.-250G>C on transcript NM_173500.4 (MANE Select); 250 bases upstream of the start codon, G replaced by C.
Molecular consequence: 5 prime UTR variant.
Genome position (GRCh38, 1-based): chr15:42,920,620, C>G on the plus strand (G>C on the coding strand, the complement: TTBK2 is on the minus strand). VCF-style: chr15-42920620-C-G. GRCh37 (hg19) VCF-style: chr15-43212818-C-G.
Identifiers: ClinVar variation 316002 (VCV000316002.6), dbSNP rs12437637, ClinGen allele CA10645981.

ClinVar aggregate classification (germline): Benign. Review status: criteria provided, multiple submitters, no conflicts (2 of 4 stars). 2 submissions from 2 submitters: Benign (2). Last evaluated 2017-04-27.

Conditions:
Spinocerebellar ataxia type 11 (SCA11). Identifiers: Orphanet 98767, MedGen C1858351, MONDO:0011464, OMIM 604432.

Allele frequency attached by ClinVar (database versions not stated): 1000 Genomes Project 30x 0.53014; 1000 Genomes Project 0.53874; TOPMed 0.55508; gnomAD 0.57925; gnomAD exomes 0.68988.
gnomAD v4.1: 89,951 of 156,924 alleles (57%); highest among the groups gnomAD compares: Non-Finnish European, 71%; 29,243 homozygotes.

Submissions (2):

Illumina Laboratory Services, Illumina
Classification: Benign for Spinocerebellar ataxia type 11. Last evaluated: 2017-04-27. Review status: criteria provided, single submitter. Criteria: ICSL Variant Classification Criteria 13 December 2019. Collection method: clinical testing. Allele origin: germline.
Comment: This variant was observed as part of a predisposition screen in an ostensibly healthy population. A literature search was performed for the gene, cDNA change, and amino acid change (where applicable). No publications were found based on this search. Allele frequency data from public databases was too high to be consistent with this variant causing disease. Therefore, this variant is classified as benign.

Breakthrough Genomics
Classification: Benign. Review status: criteria provided, single submitter. Criteria: ACMG Guidelines, 2015. Collection method: not provided. Allele origin: germline. Inheritance: Autosomal dominant inheritance. Affected: yes.